The following is an entry in ClinVar:

ClinVar aggregate classification (germline): Uncertain significance (1 of 4 stars; one submission).

Submission:

Labcorp Genetics (formerly Invitae), Labcorp
Classification: Uncertain significance. Last evaluated: 2024-05-02. Review status: criteria provided, single submitter. Criteria: Invitae Variant Classification Sherloc (09022015). Collection method: clinical testing. Allele origin: germline.
Comment: This sequence change replaces isoleucine, which is neutral and non-polar, with leucine, which is neutral and non-polar, at codon 1082 of the MSH3 protein (p.Ile1082Leu). This variant is not present in population databases (gnomAD no frequency). This variant has not been reported in the literature in individuals affected with MSH3-related conditions. An algorithm developed to predict the effect of missense changes on protein structure and function (PolyPhen-2) suggests that this variant is likely to be disruptive. In summary, the available evidence is currently insufficient to determine the role of this variant in disease. Therefore, it has been classified as a Variant of Uncertain Significance.

NM_002439.5(MSH3):c.3244A>C (p.Ile1082Leu)

Gene: MSH3 (mutS homolog 3; plus strand). Cytogenetic location: 5q14.1.
Variant type: single nucleotide variant.
Coding change: c.3244A>C on transcript NM_002439.5 (MANE Select); coding-DNA position 3244, A replaced by C.
Protein change: p.Ile1082Leu; replaces isoleucine 1082 with leucine.
Molecular consequence: missense variant.
Genome position (GRCh38, 1-based): chr5:80,873,229, A>C. VCF-style: chr5-80873229-A-C. GRCh37 (hg19) VCF-style: chr5-80169048-A-C.
Other names: short protein forms I1082L.
Identifiers: ClinVar variation 3651901 (VCV003651901.2).